The following is an entry in ClinVar:

NM_001371928.1(AHDC1):c.4301T>G (p.Leu1434Arg)

Gene: AHDC1 (AT-hook DNA binding motif containing 1; minus strand). Cytogenetic location: 1p36.11.
Variant type: single nucleotide variant.
Coding change: c.4301T>G on transcript NM_001371928.1 (MANE Select); coding-DNA position 4301, T replaced by G.
Protein change: p.Leu1434Arg; replaces leucine 1434 with arginine.
Molecular consequence: missense variant.
Genome position (GRCh38, 1-based): chr1:27,547,815, A>C on the plus strand (T>G on the coding strand, the complement: AHDC1 is on the minus strand). VCF-style: chr1-27547815-A-C. GRCh37 (hg19) VCF-style: chr1-27874326-A-C.
Other names: c.4301T>G, p.Leu1434Arg (NM_001029882.3); short protein forms L1434R.
Identifiers: ClinVar variation 3643860 (VCV003643860.2).

ClinVar aggregate classification (germline): Uncertain significance (1 of 4 stars; one submission).

Submission:

Labcorp Genetics (formerly Invitae), Labcorp
Classification: Uncertain significance. Last evaluated: 2024-03-08. Review status: criteria provided, single submitter. Criteria: Invitae Variant Classification Sherloc (09022015). Collection method: clinical testing. Allele origin: germline.
Comment: This sequence change replaces leucine, which is neutral and non-polar, with arginine, which is basic and polar, at codon 1434 of the AHDC1 protein (p.Leu1434Arg). This variant is not present in population databases (gnomAD no frequency). This variant has not been reported in the literature in individuals affected with AHDC1-related conditions. An algorithm developed to predict the effect of missense changes on protein structure and function (PolyPhen-2) suggests that this variant is likely to be disruptive. In summary, the available evidence is currently insufficient to determine the role of this variant in disease. Therefore, it has been classified as a Variant of Uncertain Significance.